The following is an entry in ClinVar:

NM_001042492.3(NF1):c.4268A>G (p.Glu1423Gly)

Gene: NF1 (neurofibromin 1; plus strand). Cytogenetic location: 17q11.2.
Variant type: single nucleotide variant.
Coding change: c.4268A>G on transcript NM_001042492.3 (MANE Select); coding-DNA position 4268, A replaced by G.
Protein change: p.Glu1423Gly; replaces glutamic acid 1423 with glycine.
Molecular consequence: missense variant.
Genome position (GRCh38, 1-based): chr17:31,258,438, A>G. VCF-style: chr17-31258438-A-G. GRCh37 (hg19) VCF-style: chr17-29585456-A-G.
Other names: c.4205A>G, p.Glu1402Gly (NM_000267.4); short protein forms E1402G, E1423G.
Identifiers: ClinVar variation 4615798 (VCV004615798.1).

ClinVar aggregate classification (germline): Uncertain significance (1 of 4 stars; one submission).

Conditions:
Cardiovascular phenotype. Identifiers: MedGen CN230736.
Hereditary cancer-predisposing syndrome. Also called: Neoplastic Syndromes, Hereditary; Tumor predisposition; Hereditary Cancer Syndrome; Hereditary neoplastic syndrome. Identifiers: Orphanet 140162, MedGen C0027672, MeSH D009386, MONDO:0015356.

Submission:

Ambry Genetics
Classification: Uncertain significance for Cardiovascular phenotype; Hereditary cancer-predisposing syndrome. Last evaluated: 2025-11-12. Review status: criteria provided, single submitter. Criteria: Ambry Variant Classification Scheme 2023. Collection method: clinical testing. Allele origin: germline.
Comment: The p.E1402G variant (also known as c.4205A>G), located in coding exon 31 of the NF1 gene, results from an A to G substitution at nucleotide position 4205. The glutamic acid at codon 1402 is replaced by glycine, an amino acid with similar properties. This amino acid position is conserved. In addition, this alteration is predicted to be deleterious by in silico analysis. Based on the available evidence, the clinical significance of this variant remains unclear.